The following is an entry in ClinVar:

NM_005051.3(QARS1):c.377T>C (p.Val126Ala)

Gene: QARS1 (glutaminyl-tRNA synthetase 1; minus strand). Cytogenetic location: 3p21.31.
Variant type: single nucleotide variant.
Coding change: c.377T>C on transcript NM_005051.3 (MANE Select); coding-DNA position 377, T replaced by C.
Protein change: p.Val126Ala; replaces valine 126 with alanine.
Molecular consequence: missense variant. On other transcripts: non-coding transcript variant (1).
Genome position (GRCh38, 1-based): chr3:49,103,705, A>G on the plus strand (T>C on the coding strand, the complement: QARS1 is on the minus strand). VCF-style: chr3-49103705-A-G. GRCh37 (hg19) VCF-style: chr3-49141138-A-G.
Other names: c.344T>C, p.Val115Ala (NM_001272073.2); short protein forms V115A, V126A.
Identifiers: ClinVar variation 1367397 (VCV001367397.6), dbSNP rs749082327, ClinGen allele CA2392184.

ClinVar aggregate classification (germline): Uncertain significance (1 of 4 stars; one submission).

Conditions:
Diffuse cerebral and cerebellar atrophy - intractable seizures - progressive microcephaly syndrome. Also called: Microcephaly, progressive, with seizures and cerebral and cerebellar atrophy. Identifiers: Orphanet 404437, MedGen C4014239, MONDO:0014335, OMIM 615760.

Allele frequency attached by ClinVar (database versions not stated): gnomAD exomes below 0.00001; ExAC 0.00001.
gnomAD v4.1: 1 of 1,613,462 alleles (0.000062%); highest among the groups gnomAD compares: South Asian, 0.0011%; no homozygotes.

Submission:

Labcorp Genetics (formerly Invitae), Labcorp
Classification: Uncertain significance for Diffuse cerebral and cerebellar atrophy - intractable seizures - progressive microcephaly syndrome. Last evaluated: 2024-11-05. Review status: criteria provided, single submitter. Criteria: Invitae Variant Classification Sherloc (09022015). Collection method: clinical testing. Allele origin: germline.
Comment: This sequence change replaces valine, which is neutral and non-polar, with alanine, which is neutral and non-polar, at codon 126 of the QARS protein (p.Val126Ala). The frequency data for this variant in the population databases is considered unreliable, as metrics indicate poor data quality at this position in the gnomAD database. This variant has not been reported in the literature in individuals affected with QARS-related conditions. ClinVar contains an entry for this variant (Variation ID: 1367397). An algorithm developed to predict the effect of missense changes on protein structure and function (PolyPhen-2) suggests that this variant is likely to be disruptive. In summary, the available evidence is currently insufficient to determine the role of this variant in disease. Therefore, it has been classified as a Variant of Uncertain Significance.